The following is an entry in ClinVar:

ClinVar aggregate classification (germline): Benign (1 of 4 stars; one submission).

Conditions:
Norman-Roberts syndrome (LIS2). Also called: Lissencephaly 2 (Norman-Roberts type). Identifiers: Orphanet 89844, MedGen C0796089, MONDO:0009760, OMIM 257320.

Allele frequency attached by ClinVar (database versions not stated): gnomAD exomes 0.00114; gnomAD 0.00503 and 0.00535; TOPMed 0.00614; 1000 Genomes Project 30x 0.00765; 1000 Genomes Project 0.00779.
gnomAD v4.1: 773 of 160,462 alleles (0.48%); highest among the groups gnomAD compares: African/African-American, 1.7%; 10 homozygotes.

Submission:

Illumina Laboratory Services, Illumina
Classification: Benign for Norman-Roberts syndrome. Last evaluated: 2018-01-13. Review status: criteria provided, single submitter. Criteria: ICSL Variant Classification Criteria 13 December 2019. Collection method: clinical testing. Allele origin: germline.
Comment: This variant was observed in the ICSL laboratory as part of a predisposition screen in an ostensibly healthy population. It had not been previously curated by ICSL or reported in the Human Gene Mutation Database (HGMD: prior to June 1st, 2018), and was therefore a candidate for classification through an automated scoring system. Utilizing variant allele frequency, disease prevalence and penetrance estimates, and inheritance mode, an automated score was calculated to assess if this variant is too frequent to cause the disease. Based on the score and internal cut-off values, a variant classified as benign is not then subjected to further curation. The score for this variant resulted in a classification of benign for this disease.

NM_005045.4(RELN):c.*563C>A

Genes: RELN (reelin; minus strand), SLC26A5-AS1 (SLC26A5 antisense RNA 1; plus strand). Cytogenetic location: 7q22.1.
Variant type: single nucleotide variant.
Coding change: c.*563C>A on transcript NM_005045.4 (MANE Select); 563 bases downstream of the stop codon, C replaced by A.
Molecular consequence: 3 prime UTR variant.
Genome position (GRCh38, 1-based): chr7:103,472,249, G>T on the plus strand (C>A on the coding strand, the complement: RELN is on the minus strand). VCF-style: chr7-103472249-G-T. GRCh37 (hg19) VCF-style: chr7-103112696-G-T.
Other names: c.*563C>A (NM_173054.3).
Identifiers: ClinVar variation 908183 (VCV000908183.4), dbSNP rs150458916, ClinGen allele CA163903944.
Genomic context (GRCh38, chr7:103,472,249, plus strand): 5'-CAACATACATTTTTAAGGAGTATATTAAAGGAGATACAATATCTTTACAACTATCTTCTT[G>T]AATAGGTATTTCAATTAATTTTCTGCAGAATATAAGTAGCCCCAAATTCAGCAGCAAAAT-3'